The following is an entry in ClinVar:

NM_001040142.2(SCN2A):c.4357T>G (p.Phe1453Val)

Gene: SCN2A (sodium voltage-gated channel alpha subunit 2; plus strand). Cytogenetic location: 2q24.3.
Variant type: single nucleotide variant.
Coding change: c.4357T>G on transcript NM_001040142.2 (MANE Select); coding-DNA position 4357, T replaced by G.
Protein change: p.Phe1453Val; replaces phenylalanine 1453 with valine.
Molecular consequence: missense variant.
Genome position (GRCh38, 1-based): chr2:165,380,640, T>G. VCF-style: chr2-165380640-T-G. GRCh37 (hg19) VCF-style: chr2-166237150-T-G.
Other names: c.4357T>G, p.Phe1453Val (NM_001040143.2, NM_001371246.1, NM_001371247.1 and 1 more transcripts); short protein forms F1453V.
Identifiers: ClinVar variation 3369190 (VCV003369190.1).

ClinVar aggregate classification (germline): Uncertain significance (1 of 4 stars; one submission).

Submission:

GeneDx
Classification: Uncertain significance. Last evaluated: 2024-02-14. Review status: criteria provided, single submitter. Criteria: GeneDx Variant Classification Process June 2021. Collection method: clinical testing. Allele origin: germline. Affected: yes.
Comment: Not observed at significant frequency in large population cohorts (gnomAD); In silico analysis supports that this missense variant has a deleterious effect on protein structure/function; Has not been previously published as pathogenic or benign to our knowledge; This substitution is predicted to be within the helical transmembrane segment S6 of the third homologous domain